The following is an entry in ClinVar:

ClinVar aggregate classification (germline): Uncertain significance (1 of 4 stars; one submission).

Allele frequency attached by ClinVar (database versions not stated): gnomAD exomes below 0.00001.

Submission:

Labcorp Genetics (formerly Invitae), Labcorp
Classification: Uncertain significance. Last evaluated: 2024-01-12. Review status: criteria provided, single submitter. Criteria: Invitae Variant Classification Sherloc (09022015). Collection method: clinical testing. Allele origin: germline.
Comment: This sequence change replaces arginine, which is basic and polar, with histidine, which is basic and polar, at codon 36 of the CD81 protein (p.Arg36His). This variant is present in population databases (no rsID available, gnomAD 0.003%). This variant has not been reported in the literature in individuals affected with CD81-related conditions. An algorithm developed to predict the effect of missense changes on protein structure and function (PolyPhen-2) suggests that this variant is likely to be disruptive. In summary, the available evidence is currently insufficient to determine the role of this variant in disease. Therefore, it has been classified as a Variant of Uncertain Significance.

NM_004356.4(CD81):c.107G>A (p.Arg36His)

Gene: CD81 (CD81 molecule; plus strand). Cytogenetic location: 11p15.5.
Variant type: single nucleotide variant.
Coding change: c.107G>A on transcript NM_004356.4 (MANE Select); coding-DNA position 107, G replaced by A.
Protein change: p.Arg36His; replaces arginine 36 with histidine.
Molecular consequence: missense variant. On other transcripts: 5 prime UTR variant (1).
Genome position (GRCh38, 1-based): chr11:2,390,452, G>A. VCF-style: chr11-2390452-G-A. GRCh37 (hg19) VCF-style: chr11-2411682-G-A.
Other names: c.-107G>A (NM_001297649.2, NM_001425129.1, NM_001425131.1 and 3 more transcripts); c.-103G>A (NM_001425130.1); c.107G>A, p.Arg36His (NM_001425135.1, NM_001425137.1); short protein forms R36H.
Identifiers: ClinVar variation 2779219 (VCV002779219.3), dbSNP rs374100694, ClinGen allele CA379120551.